The following is an entry in ClinVar:

NM_000088.4(COL1A1):c.3099+15C>A

Gene: COL1A1 (collagen type I alpha 1 chain; minus strand). Cytogenetic location: 17q21.33.
Variant type: single nucleotide variant.
Coding change: c.3099+15C>A on transcript NM_000088.4 (MANE Select); 15 bases into the intron after coding-DNA position 3099, C replaced by A.
Molecular consequence: intron variant.
Genome position (GRCh38, 1-based): chr17:50,188,727, G>T on the plus strand (C>A on the coding strand, the complement: COL1A1 is on the minus strand). VCF-style: chr17-50188727-G-T. GRCh37 (hg19) VCF-style: chr17-48266088-G-T.
Identifiers: ClinVar variation 514255 (VCV000514255.1), dbSNP rs1189154641, ClinGen allele CA626689407.

ClinVar aggregate classification (germline): Likely benign (1 of 4 stars; one submission).

Allele frequency attached by ClinVar (database versions not stated): gnomAD 0.00006 and 0.00001; TOPMed 0.00001 and below 0.00001.

Submission:

GeneDx
Classification: Likely benign. Last evaluated: 2017-12-21. Review status: criteria provided, single submitter. Criteria: GeneDx Variant Classification (06012015). Collection method: clinical testing. Allele origin: germline. Affected: yes.
Comment: This variant is considered likely benign or benign based on one or more of the following criteria: it is a conservative change, it occurs at a poorly conserved position in the protein, it is predicted to be benign by multiple in silico algorithms, and/or has population frequency not consistent with disease.